The following is an entry in ClinVar:

NM_000228.3(LAMB3):c.1616G>A (p.Arg539Gln)

Gene: LAMB3 (laminin subunit beta 3; minus strand). Cytogenetic location: 1q32.2.
Variant type: single nucleotide variant.
Coding change: c.1616G>A on transcript NM_000228.3 (MANE Select); coding-DNA position 1616, G replaced by A.
Protein change: p.Arg539Gln; replaces arginine 539 with glutamine.
Molecular consequence: missense variant.
Genome position (GRCh38, 1-based): chr1:209,626,008, C>T on the plus strand (G>A on the coding strand, the complement: LAMB3 is on the minus strand). VCF-style: chr1-209626008-C-T. GRCh37 (hg19) VCF-style: chr1-209799353-C-T.
Other names: c.1616G>A, p.Arg539Gln (NM_001017402.2, NM_001127641.1); short protein forms R539Q.
Identifiers: ClinVar variation 763952 (VCV000763952.18), dbSNP rs530692211, ClinGen allele CA1375514.
Genomic context (GRCh38, chr1:209,626,008, plus strand): 5'-AAGCCAGGGCGGCAGAGGCAGCGGCCTGATGCCTTGTCGCAGCCCGGGCCCTCTGTTCCC[C>T]GGAAATCACAGTCACAGGCTAGGGCCAAGAAAAATGACAGTCAGAGACAGGGGTCAGGGA-3'
Protein context (NP_000219.2, residues 529-549): TGCRACDCDF[Arg539Gln]GTEGPGCDKA

ClinVar aggregate classification (germline): Conflicting classifications of pathogenicity. Review status: criteria provided, conflicting classifications (1 of 4 stars). 4 submissions from 4 submitters: Uncertain significance (1); Likely benign (2). 1 of the submissions does not count toward it. Last evaluated 2026-01-20.

Conditions:
Inborn genetic diseases. Identifiers: MedGen C0950123, MeSH D030342.
Junctional epidermolysis bullosa. Identifiers: Orphanet 305, MedGen C0079301, MONDO:0017612.
LAMB3-related disorder. Also called: LAMB3-related condition.

Allele frequency attached by ClinVar (database versions not stated): gnomAD 0.00003 and 0.00015; TOPMed 0.00005; ExAC 0.00048; 1000 Genomes Project 0.00060; 1000 Genomes Project 30x 0.00062.
gnomAD v4.1: 458 of 1,612,854 alleles (0.028%); highest among the groups gnomAD compares: South Asian, 0.33%; 3 homozygotes.

Submissions (4):

Labcorp Genetics (formerly Invitae), Labcorp
Classification: Likely benign. Last evaluated: 2026-01-20. Review status: criteria provided, single submitter. Criteria: Invitae Variant Classification Sherloc (09022015). Collection method: clinical testing. Allele origin: germline.

Ambry Genetics
Classification: Uncertain significance for Inborn genetic diseases. Last evaluated: 2023-02-16. Review status: criteria provided, single submitter. Criteria: Ambry Variant Classification Scheme 2023. Collection method: clinical testing. Allele origin: germline.

Illumina Laboratory Services, Illumina
Classification: Likely benign for Junctional epidermolysis bullosa. Last evaluated: 2018-01-13. Review status: criteria provided, single submitter. Criteria: ICSL Variant Classification Criteria 13 December 2019. Collection method: clinical testing. Allele origin: germline.
Comment: This variant was observed in the ICSL laboratory as part of a predisposition screen in an ostensibly healthy population. It had not been previously curated by ICSL or reported in the Human Gene Mutation Database (HGMD: prior to June 1st, 2018), and was therefore a candidate for classification through an automated scoring system. Utilizing variant allele frequency, disease prevalence and penetrance estimates, and inheritance mode, an automated score was calculated to assess if this variant is too frequent to cause the disease. Based on the score and internal cut-off values, a variant classified as likely benign is not then subjected to further curation. The score for this variant resulted in a classification of likely benign for this disease.

PreventionGenetics, part of Exact Sciences
Classification: Likely benign for LAMB3-related condition. Last evaluated: 2022-02-17. Review status: no assertion criteria provided. Collection method: clinical testing. Allele origin: germline. Not counted in ClinVar's aggregate classification.
Comment: This variant is classified as likely benign based on ACMG/AMP sequence variant interpretation guidelines (Richards et al. 2015 PMID: 25741868, with internal and published modifications).